The following is an entry in ClinVar:

NM_000202.8(IDS):c.1007G>T (p.Gly336Val)

Genes: IDS (iduronate 2-sulfatase; minus strand), LOC106050102 (IDS recombination region; plus strand). Cytogenetic location: Xq28.
Variant type: single nucleotide variant.
Coding change: c.1007G>T on transcript NM_000202.8 (MANE Select); coding-DNA position 1007, G replaced by T.
Protein change: p.Gly336Val; replaces glycine 336 with valine.
Molecular consequence: missense variant.
Genome position (GRCh38, 1-based): chrX:149,487,098, C>A on the plus strand (G>T on the coding strand, the complement: IDS is on the minus strand). VCF-style: chrX-149487098-C-A. GRCh37 (hg19) VCF-style: chrX-148568629-C-A.
Other names: c.737G>T, p.Gly246Val (NM_001166550.4); short protein forms G246V, G336V.
Identifiers: ClinVar variation 3255911 (VCV003255911.2).

ClinVar aggregate classification (germline): Pathogenic (1 of 4 stars; one submission).

Conditions:
Mucopolysaccharidosis, MPS-II (MPS2). Also called: Hunter Syndrome; IDURONATE 2-SULFATASE DEFICIENCY; Mucopolysaccharidosis Type II; Mucopolysaccharidosis type 2; Attenuated MPS (subtype; formerly known as mild MPS II); Severe MPS II. Identifiers: Orphanet 580, Orphanet 79388, MedGen C0026705, MONDO:0010674, OMIM 309900.

Submission:

Laboratory of Diagnosis and Therapy of Lysosomal Disorders, University of Padova
Classification: Pathogenic for Mucopolysaccharidosis, MPS-II. Last evaluated: 2024-06-07. Review status: criteria provided, single submitter. Criteria: ACMG Guidelines, 2015. Collection method: literature only. Allele origin: germline. Affected: yes. Observed: 4 variant alleles.
Comment: Prevalence of the variant significantly increased in affected individuals compared with controls (PS4_Strong), Absent from controls (or at low frequency) in gnomAD database (PM2_Moderate), Missense variant in a gene with a low rate of benign missense variation (PP2_Supporting), Multiple lines of computational evidence support a deleterious effect (PP3_Supporting), Patient’s phenotype or family history highly specific for the disease (PP4_Moderate)

Classification method: ACMG Guidelines [PMID:25741868] with modifications

Literature cited by the submitters: PubMed 24125893; PubMed 33960103; PubMed 16133661.